The following is an entry in ClinVar:

ClinVar aggregate classification (germline): Uncertain significance (1 of 4 stars; one submission).

Conditions:
Inborn genetic diseases. Identifiers: MedGen C0950123, MeSH D030342.

gnomAD v4.1: 2 of 1,610,436 alleles (0.00012%); highest among the groups gnomAD compares: African/African-American, 0.0027%; no homozygotes.

Submission:

Ambry Genetics
Classification: Uncertain significance for Inborn genetic diseases. Last evaluated: 2026-02-24. Review status: criteria provided, single submitter. Criteria: Ambry Variant Classification Scheme 2023. Collection method: clinical testing. Allele origin: germline.
Comment: The p.A377S variant (also known as c.1129G>T), located in coding exon 12 of the RTEL1 gene, results from a G to T substitution at nucleotide position 1129. The alanine at codon 377 is replaced by serine, an amino acid with similar properties. This amino acid position is conserved. In addition, this alteration is predicted to be tolerated by in silico analysis. Based on the available evidence, the clinical significance of this variant remains unclear.

NM_001283009.2(RTEL1):c.1129G>T (p.Ala377Ser)

Genes: RTEL1 (regulator of telomere elongation helicase 1; plus strand), RTEL1-TNFRSF6B (RTEL1-TNFRSF6B readthrough (NMD candidate); plus strand). Cytogenetic location: 20q13.33.
Variant type: single nucleotide variant.
Coding change: c.1129G>T on transcript NM_001283009.2 (MANE Select); coding-DNA position 1129, G replaced by T.
Protein change: p.Ala377Ser; replaces alanine 377 with serine.
Molecular consequence: missense variant. On other transcripts: non-coding transcript variant (1).
Genome position (GRCh38, 1-based): chr20:63,679,940, G>T. VCF-style: chr20-63679940-G-T. GRCh37 (hg19) VCF-style: chr20-62311293-G-T.
Other names: c.460G>T, p.Ala154Ser (NM_001283010.1); c.1129G>T, p.Ala377Ser (NM_016434.4); c.1201G>T, p.Ala401Ser (NM_032957.5); short protein forms A401S, A154S, A377S.
Identifiers: ClinVar variation 4827705 (VCV004827705.1).